The following is an entry in ClinVar:

ClinVar aggregate classification (germline): Uncertain significance (1 of 4 stars; one submission).

Conditions:
Multiple endocrine neoplasia, type 2 (MEN2). Identifiers: Orphanet 653, MedGen C4048306, MONDO:0019003. Disease mechanism: gain of function.

Submission:

Labcorp Genetics (formerly Invitae), Labcorp
Classification: Uncertain significance for Multiple endocrine neoplasia, type 2. Last evaluated: 2022-03-19. Review status: criteria provided, single submitter. Criteria: Invitae Variant Classification Sherloc (09022015). Collection method: clinical testing. Allele origin: germline.
Comment: In summary, the available evidence is currently insufficient to determine the role of this variant in disease. Therefore, it has been classified as a Variant of Uncertain Significance. Algorithms developed to predict the effect of missense changes on protein structure and function are either unavailable or do not agree on the potential impact of this missense change (SIFT: "Tolerated"; PolyPhen-2: "Possibly Damaging"; Align-GVGD: "Class C0"). This variant has not been reported in the literature in individuals affected with RET-related conditions. This variant is not present in population databases (gnomAD no frequency). This sequence change replaces asparagine, which is neutral and polar, with histidine, which is basic and polar, at codon 343 of the RET protein (p.Asn343His).

NM_020975.6(RET):c.1027A>C (p.Asn343His)

Gene: RET (ret proto-oncogene; plus strand). Cytogenetic location: 10q11.21.
Variant type: single nucleotide variant.
Coding change: c.1027A>C on transcript NM_020975.6 (MANE Select); coding-DNA position 1027, A replaced by C.
Protein change: p.Asn343His; replaces asparagine 343 with histidine.
Molecular consequence: missense variant.
Genome position (GRCh38, 1-based): chr10:43,106,535, A>C. VCF-style: chr10-43106535-A-C. GRCh37 (hg19) VCF-style: chr10-43601983-A-C.
Other names: c.1027A>C, p.Asn343His (NM_000323.2, NM_001406743.1, NM_001406744.1 and 6 more transcripts); c.265A>C, p.Asn89His (NM_001355216.2); c.898A>C, p.Asn300His (NM_001406761.1, NM_001406762.1, NM_001406764.1 and 1 more transcripts); c.739A>C, p.Asn247His (NM_001406766.1, NM_001406767.1, NM_001406770.1); short protein forms N300H, N89H, N247H, N343H.
Identifiers: ClinVar variation 2114501 (VCV002114501.4), dbSNP rs2538405162, ClinGen allele CA376546421.